The following is an entry in ClinVar:

ClinVar aggregate classification (germline): Uncertain significance. Review status: criteria provided, multiple submitters, no conflicts (2 of 4 stars). 2 submissions from 2 submitters: Uncertain significance (2). Last evaluated 2023-11-07.

Allele frequency attached by ClinVar (database versions not stated): TOPMed below 0.00001; gnomAD 0.00001; ExAC 0.00002; gnomAD exomes 0.00002.
gnomAD v4.1: 24 of 1,614,064 alleles (0.0015%); highest among the groups gnomAD compares: Non-Finnish European, 0.0019%; no homozygotes.

Submissions (2):

Mayo Clinic Laboratories, Mayo Clinic
Classification: Uncertain significance. Last evaluated: 2023-11-07. Review status: criteria provided, single submitter. Criteria: ACMG Guidelines, 2015. Collection method: clinical testing. Allele origin: germline. Observed: 1 variant allele.
Comment: BP4

Revvity Omics, Revvity
Classification: Uncertain significance. Last evaluated: 2022-09-19. Review status: criteria provided, single submitter. Criteria: ACMG Guidelines, 2015. Collection method: clinical testing. Allele origin: germline.

NM_133642.5(LARGE1):c.754G>A (p.Ala252Thr)

Gene: LARGE1 (LARGE xylosyl- and glucuronyltransferase 1; minus strand). Cytogenetic location: 22q12.3.
Variant type: single nucleotide variant.
Coding change: c.754G>A on transcript NM_133642.5 (MANE Select); coding-DNA position 754, G replaced by A.
Protein change: p.Ala252Thr; replaces alanine 252 with threonine.
Molecular consequence: missense variant.
Genome position (GRCh38, 1-based): chr22:33,564,881, C>T on the plus strand (G>A on the coding strand, the complement: LARGE1 is on the minus strand). VCF-style: chr22-33564881-C-T. GRCh37 (hg19) VCF-style: chr22-33960867-C-T.
Other names: p.Ala252Thr; c.754G>A, p.Ala252Thr (NM_001362949.2, NM_001362951.2, NM_001362953.2 and 7 more transcripts); c.151G>A, p.Ala51Thr (NM_001378630.1, NM_001378631.1); short protein forms A252T, A51T.
Identifiers: ClinVar variation 2433405 (VCV002433405.4), dbSNP rs751608219, ClinGen allele CA10202951.